The following is an entry in ClinVar:

NM_032444.4(SLX4):c.3191G>T (p.Gly1064Val)

Gene: SLX4 (SLX4 structure-specific endonuclease subunit; minus strand). Cytogenetic location: 16p13.3.
Variant type: single nucleotide variant.
Coding change: c.3191G>T on transcript NM_032444.4 (MANE Select); coding-DNA position 3191, G replaced by T.
Protein change: p.Gly1064Val; replaces glycine 1064 with valine.
Molecular consequence: missense variant.
Genome position (GRCh38, 1-based): chr16:3,590,447, C>A on the plus strand (G>T on the coding strand, the complement: SLX4 is on the minus strand). VCF-style: chr16-3590447-C-A. GRCh37 (hg19) VCF-style: chr16-3640448-C-A.
Other names: short protein forms G1064V.
Identifiers: ClinVar variation 2187490 (VCV002187490.4), dbSNP rs979014024, ClinGen allele CA276959086.

ClinVar aggregate classification (germline): Uncertain significance (1 of 4 stars; one submission).

Conditions:
Fanconi anemia (FA). Also called: Fanconi's anemia. Identifiers: Orphanet 84, MedGen C0015625, MeSH D005199, MONDO:0019391.

gnomAD v4.1: 5 of 1,614,172 alleles (0.00031%); highest among the groups gnomAD compares: Non-Finnish European, 0.00034%; no homozygotes.

Submission:

Labcorp Genetics (formerly Invitae), Labcorp
Classification: Uncertain significance for Fanconi anemia. Last evaluated: 2025-02-24. Review status: criteria provided, single submitter. Criteria: Invitae Variant Classification Sherloc (09022015). Collection method: clinical testing. Allele origin: germline.
Comment: This sequence change replaces glycine, which is neutral and non-polar, with valine, which is neutral and non-polar, at codon 1064 of the SLX4 protein (p.Gly1064Val). This variant is not present in population databases (gnomAD no frequency). This variant has not been reported in the literature in individuals affected with SLX4-related conditions. ClinVar contains an entry for this variant (Variation ID: 2187490). An algorithm developed to predict the effect of missense changes on protein structure and function outputs the following: PolyPhen-2: "Benign". The valine amino acid residue is found in multiple mammalian species, which suggests that this missense change does not adversely affect protein function. In summary, the available evidence is currently insufficient to determine the role of this variant in disease. Therefore, it has been classified as a Variant of Uncertain Significance.